The following is an entry in ClinVar:

ClinVar aggregate classification (germline): Benign (3 of 4 stars; one submission).

Conditions:
Breast-ovarian cancer, familial, susceptibility to, 1 (BROVCA1). Also called: BRCA1 Hereditary Breast and Ovarian Cancer; OVARIAN CANCER, SUSCEPTIBILITY TO. Identifiers: Orphanet 145, MedGen C2676676, MONDO:0011450, OMIM 604370. Disease mechanism: loss of function.

Allele frequency attached by ClinVar (database versions not stated): gnomAD 0.00148 and 0.00158; 1000 Genomes Project 30x 0.00156; TOPMed 0.00170; 1000 Genomes Project 0.00200.
gnomAD v4.1: 222 of 152,180 alleles (0.15%); highest among the groups gnomAD compares: African/African-American, 0.5%; 1 homozygote.

Submission:

Evidence-based Network for the Interpretation of Germline Mutant Alleles (ENIGMA)
Classification: Benign for Breast-ovarian cancer, familial 1. Last evaluated: 2015-01-12. Review status: reviewed by expert panel. Criteria: ENIGMA BRCA1/2 Classification Criteria (2015). Collection method: curation. Allele origin: germline.
Comment: Class 1 not pathogenic based on frequency >1% in an outbred sampleset. Frequency 0.01829 (African), derived from 1000 genomes (2012-04-30).

NM_007294.4(BRCA1):c.134+563G>A

Gene: BRCA1 (BRCA1 DNA repair associated; minus strand). Cytogenetic location: 17q21.31.
Variant type: single nucleotide variant.
Coding change: c.134+563G>A on transcript NM_007294.4 (MANE Select); 563 bases into the intron after coding-DNA position 134, G replaced by A.
Molecular consequence: intron variant.
Genome position (GRCh38, 1-based): chr17:43,115,163, C>T on the plus strand (G>A on the coding strand, the complement: BRCA1 is on the minus strand). VCF-style: chr17-43115163-C-T. GRCh37 (hg19) VCF-style: chr17-41267180-C-T.
Other names: IVS 3+563G>A; c.-8+563G>A (NM_001408458.1, NM_001408470.1, NM_001407848.1 and 47 more transcripts); c.-219+10114G>A (NM_001407967.1); c.-170+10114G>A (NM_001407959.1); c.-7-8630G>A (NM_001407931.1, NM_001407747.1, NM_001408461.1 and 28 more transcripts); c.-170+563G>A (NM_001407962.1, NM_001408512.1, NM_001408510.1 and 1 more transcripts); c.-55+563G>A (NM_001407885.1, NM_001407886.1, NM_001408509.1 and 52 more transcripts); c.-124+563G>A (NM_001407746.1, NM_001408468.1, NM_001407842.1 and 13 more transcripts); and 10 more.
Identifiers: ClinVar variation 209532 (VCV000209532.2), dbSNP rs8176102, ClinGen allele CA276501.